The following is an entry in ClinVar:

ClinVar aggregate classification (germline): Uncertain significance (1 of 4 stars; one submission).

Conditions:
Welander distal myopathy (WDM). Also called: Gower's muscular dystrophy; Welander distal myopathy, Swedish type; Distal myopathy, Swedish type; MUSCULAR DYSTROPHY, DISTAL, LATE-ONSET, AUTOSOMAL DOMINANT. Identifiers: Orphanet 603, MedGen C0221054, MONDO:0011466, OMIM 604454.

gnomAD v4.1: 3 of 1,612,448 alleles (0.00019%); highest among the groups gnomAD compares: Middle Eastern, 0.016%; no homozygotes.

Submission:

Labcorp Genetics (formerly Invitae), Labcorp
Classification: Uncertain significance for Welander distal myopathy. Last evaluated: 2025-08-04. Review status: criteria provided, single submitter. Criteria: Invitae Variant Classification Sherloc (09022015). Collection method: clinical testing. Allele origin: germline.
Comment: This sequence change replaces asparagine, which is neutral and polar, with aspartic acid, which is acidic and polar, at codon 196 of the TIA1 protein (p.Asn196Asp). This variant is not present in population databases (gnomAD no frequency). This variant has not been reported in the literature in individuals affected with TIA1-related conditions. An algorithm developed to predict the effect of missense changes on protein structure and function (PolyPhen-2) suggests that this variant is likely to be tolerated. Algorithms developed to predict the effect of sequence changes on RNA splicing suggest that this variant may create or strengthen a splice site. In summary, the available evidence is currently insufficient to determine the role of this variant in disease. Therefore, it has been classified as a Variant of Uncertain Significance.

NM_022173.4(TIA1):c.586A>G (p.Asn196Asp)

Gene: TIA1 (TIA1 cytotoxic granule associated RNA binding protein; minus strand). Cytogenetic location: 2p13.3.
Variant type: single nucleotide variant.
Coding change: c.586A>G on transcript NM_022173.4 (MANE Select); coding-DNA position 586, A replaced by G.
Protein change: p.Asn196Asp; replaces asparagine 196 with aspartic acid.
Molecular consequence: missense variant. On other transcripts: non-coding transcript variant (17).
Genome position (GRCh38, 1-based): chr2:70,216,497, T>C on the plus strand (A>G on the coding strand, the complement: TIA1 is on the minus strand). VCF-style: chr2-70216497-T-C. GRCh37 (hg19) VCF-style: chr2-70443629-T-C.
Other names: c.586A>G, p.Asn196Asp (NM_001351516.2, NM_001351508.2); c.166A>G, p.Asn56Asp (NM_001351517.2, NM_001351524.2, NM_001351525.2); c.553A>G, p.Asn185Asp (NM_022037.4, NM_001351510.2); c.559A>G, p.Asn187Asp (NM_001351509.2); c.475A>G, p.Asn159Asp (NM_001351511.1); c.448A>G, p.Asn150Asp (NM_001351512.1); c.442A>G, p.Asn148Asp (NM_001351513.1); c.358A>G, p.Asn120Asp (NM_001351514.2); and 1 more; short protein forms N148D, N159D, N185D, N95D, N150D, N120D, N196D, N187D.
Identifiers: ClinVar variation 4761109 (VCV004761109.1).